The following is an entry in ClinVar:

NM_001098484.3(SLC4A4):c.*2329A>C

Gene: SLC4A4 (solute carrier family 4 member 4; plus strand). Cytogenetic location: 4q13.3.
Variant type: single nucleotide variant.
Coding change: c.*2329A>C on transcript NM_001098484.3 (MANE Select); 2329 bases downstream of the stop codon, A replaced by C.
Molecular consequence: 3 prime UTR variant.
Genome position (GRCh38, 1-based): chr4:71,570,080, A>C. VCF-style: chr4-71570080-A-C. GRCh37 (hg19) VCF-style: chr4-72435797-A-C.
Other names: c.*2187A>C (NM_001134742.2); c.*2329A>C (NM_003759.4).
Identifiers: ClinVar variation 907901 (VCV000907901.4), dbSNP rs72854481, ClinGen allele CA99475921.

ClinVar aggregate classification (germline): Benign (1 of 4 stars; one submission).

Conditions:
Autosomal recessive proximal renal tubular acidosis (PRTAO). Also called: RENAL TUBULAR ACIDOSIS, PROXIMAL, WITH OCULAR ABNORMALITIES AND MENTAL RETARDATION; RENAL TUBULAR ACIDOSIS, PROXIMAL, WITH OCULAR ABNORMALITIES AND IMPAIRED INTELLECTUAL DEVELOPMENT; PROXIMAL RENAL TUBULAR ACIDOSIS-OCULAR ANOMALY SYNDROME; RTA, PROXIMAL, AUTOSOMAL RECESSIVE. Identifiers: Orphanet 93607, MedGen C1970309, MONDO:0011422, OMIM 604278.

Allele frequency attached by ClinVar (database versions not stated): gnomAD 0.00589 and 0.00622; 1000 Genomes Project 30x 0.00656; TOPMed 0.00674; 1000 Genomes Project 0.00679.

Submission:

Illumina Laboratory Services, Illumina
Classification: Benign for Autosomal recessive proximal renal tubular acidosis. Last evaluated: 2018-01-13. Review status: criteria provided, single submitter. Criteria: ICSL Variant Classification Criteria 13 December 2019. Collection method: clinical testing. Allele origin: germline.
Comment: This variant was observed in the ICSL laboratory as part of a predisposition screen in an ostensibly healthy population. It had not been previously curated by ICSL or reported in the Human Gene Mutation Database (HGMD: prior to June 1st, 2018), and was therefore a candidate for classification through an automated scoring system. Utilizing variant allele frequency, disease prevalence and penetrance estimates, and inheritance mode, an automated score was calculated to assess if this variant is too frequent to cause the disease. Based on the score and internal cut-off values, a variant classified as benign is not then subjected to further curation. The score for this variant resulted in a classification of benign for this disease.